The following is an entry in ClinVar:

NM_001267550.2(TTN):c.101021G>C (p.Arg33674Thr)

Genes: TTN-AS1 (TTN antisense RNA 1; plus strand), TTN (titin; minus strand). Cytogenetic location: 2q31.2.
Variant type: single nucleotide variant.
Coding change: c.101021G>C on transcript NM_001267550.2 (MANE Select); coding-DNA position 101021, G replaced by C.
Protein change: p.Arg33674Thr; replaces arginine 33674 with threonine.
Molecular consequence: missense variant.
Genome position (GRCh38, 1-based): chr2:178,535,594, C>G on the plus strand (G>C on the coding strand, the complement: TTN is on the minus strand). VCF-style: chr2-178535594-C-G. GRCh37 (hg19) VCF-style: chr2-179400321-C-G.
Other names: c.96098G>C, p.Arg32033Thr (NM_001256850.1); c.73826G>C, p.Arg24609Thr (NM_003319.4); c.93317G>C, p.Arg31106Thr (NM_133378.4); c.74201G>C, p.Arg24734Thr (NM_133432.3); c.74402G>C, p.Arg24801Thr (NM_133437.4); short protein forms R24609T, R24734T, R24801T, R31106T, R32033T, R33674T.
Identifiers: ClinVar variation 3356658 (VCV003356658.3).
Genomic context (GRCh38, chr2:178,535,594, plus strand): 5'-CTGGGTGGGTCAGGAACATCAGCCACATCCAGTTCAACTGTCTTCTGATCAATTCCAAAT[C>G]TGTTTTTAGCACAGACCACATAGAAACCAGCATCTTTTCTCTCTACCCCATTGGGGAAAA-3'
Protein context (NP_001254479.2, residues 33664-33684): AGFYVVCAKN[Arg33674Thr]FGIDQKTVEL

ClinVar aggregate classification (germline): Uncertain significance. Review status: criteria provided, single submitter (1 of 4 stars). 2 submissions from 2 submitters: Uncertain significance (1). 1 of the submissions does not count toward it. Last evaluated 2025-07-27.

Conditions:
Dilated cardiomyopathy 1G (CMD1G). Identifiers: Orphanet 154, MedGen C1858763, MONDO:0011400, OMIM 604145.
Autosomal recessive limb-girdle muscular dystrophy type 2J (LGMDR10). Also called: Limb-girdle muscular dystrophy, type 2J; MUSCULAR DYSTROPHY, LIMB-GIRDLE, AUTOSOMAL RECESSIVE 10. Identifiers: Orphanet 140922, MedGen C1837342, MONDO:0012127, OMIM 608807.
TTN-related disorder. Also called: TTN-related disorders; TTN-related condition; TTN-related disease.

gnomAD v4.1: 1 of 1,613,864 alleles (0.000062%); highest among the groups gnomAD compares: African/African-American, 0.0013%; no homozygotes.

Submissions (2):

Labcorp Genetics (formerly Invitae), Labcorp
Classification: Uncertain significance for Dilated cardiomyopathy 1G; Autosomal recessive limb-girdle muscular dystrophy type 2J. Last evaluated: 2025-07-27. Review status: criteria provided, single submitter. Criteria: Invitae Variant Classification Sherloc (09022015). Collection method: clinical testing. Allele origin: germline.
Comment: This sequence change replaces arginine, which is basic and polar, with threonine, which is neutral and polar, at codon 33674 of the TTN protein (p.Arg33674Thr). This variant is present in population databases (rs766217871, gnomAD 0.007%). This variant has not been reported in the literature in individuals affected with TTN-related conditions. ClinVar contains an entry for this variant (Variation ID: 3356658). Experimental studies and prediction algorithms are not available or were not evaluated, and the functional significance of this variant is currently unknown. This variant is located in the M band of TTN (PMID: 25589632). Non-truncating variants in this region may be relevant for neuromuscular disorders, but have not been definitively shown to cause cardiomyopathy (PMID: 23975875). In summary, the available evidence is currently insufficient to determine the role of this variant in disease. Therefore, it has been classified as a Variant of Uncertain Significance.

PreventionGenetics, part of Exact Sciences
Classification: Uncertain significance for TTN-related condition. Last evaluated: 2024-03-11. Review status: no assertion criteria provided. Collection method: clinical testing. Allele origin: germline. Not counted in ClinVar's aggregate classification.
Comment: The TTN c.101021G>C variant is predicted to result in the amino acid substitution p.Arg33674Thr. To our knowledge, this variant has not been reported in the literature. This variant is reported in 0.0065% of alleles in individuals of African descent in gnomAD. At this time, the clinical significance of this variant is uncertain due to the absence of conclusive functional and genetic evidence.

Literature cited by the submitters: PubMed 25589632 (cited by Labcorp Genetics (formerly Invitae), Labcorp); PubMed 23975875 (cited by Labcorp Genetics (formerly Invitae), Labcorp).